The following is an entry in ClinVar:

NM_003126.4(SPTA1):c.6236_6264del (p.Arg2079fs)

Gene: SPTA1 (spectrin alpha, erythrocytic 1; minus strand). Cytogenetic location: 1q23.1.
Variant type: Deletion.
Coding change: c.6236_6264del on transcript NM_003126.4 (MANE Select); coding-DNA positions 6236 to 6264, 29 bases deleted (GGCAGCTGCAGAAAGACCATGAGGACTTC).
Protein change: p.Arg2079fs; shifts the reading frame from arginine 2079.
Molecular consequence: frameshift variant.
Genome position (GRCh38, 1-based): chr1:158,620,323-158,620,351, GAAGTCCTCATGGTCTTTCTGCAGCTGCC deleted on the plus strand (GGCAGCTGCAGAAAGACCATGAGGACTTC on the coding strand, the reverse complement: SPTA1 is on the minus strand); deleting any 29 consecutive bases within chr1:158,620,323-158,620,354 gives the same sequence; the c. name uses the placement nearest the transcript's 3' end. VCF-style (leftmost placement, unchanged base first): chr1-158620322-AGAAGTCCTCATGGTCTTTCTGCAGCTGCC-A. GRCh37 (hg19) VCF-style: chr1-158590112-AGAAGTCCTCATGGTCTTTCTGCAGCTGCC-A.
Other names: short protein forms R2079fs.
Identifiers: ClinVar variation 1163166 (VCV001163166.5), dbSNP rs2101760572, ClinGen allele CA2499214255.

ClinVar aggregate classification (germline): Likely pathogenic (1 of 4 stars; one submission).

Submission:

Mayo Clinic Laboratories, Mayo Clinic
Classification: Likely pathogenic. Last evaluated: 2020-04-13. Review status: criteria provided, single submitter. Criteria: ACMG Guidelines, 2015. Collection method: clinical testing. Allele origin: germline. Observed: 1 variant allele.
Comment: PVS1, PM2